The following is an entry in ClinVar:

NM_000051.4(ATM):c.2839-13C>A

Gene: ATM (ATM serine/threonine kinase; plus strand). Cytogenetic location: 11q22.3.
Variant type: single nucleotide variant.
Coding change: c.2839-13C>A on transcript NM_000051.4 (MANE Select); 13 bases into the intron before coding-DNA position 2839, C replaced by A.
Molecular consequence: intron variant.
Genome position (GRCh38, 1-based): chr11:108,271,051, C>A. VCF-style: chr11-108271051-C-A. GRCh37 (hg19) VCF-style: chr11-108141778-C-A.
Other names: c.2839-13C>A (NM_001351834.2).
Identifiers: ClinVar variation 4866092 (VCV004866092.1).

ClinVar aggregate classification (germline): Uncertain significance (1 of 4 stars; one submission).

Conditions:
Hereditary cancer-predisposing syndrome. Also called: Neoplastic Syndromes, Hereditary; Tumor predisposition; Hereditary Cancer Syndrome; Hereditary neoplastic syndrome. Identifiers: Orphanet 140162, MedGen C0027672, MeSH D009386, MONDO:0015356.

Submission:

Ambry Genetics
Classification: Uncertain significance for Hereditary cancer-predisposing syndrome. Last evaluated: 2026-04-09. Review status: criteria provided, single submitter. Criteria: Ambry Variant Classification Scheme 2023. Collection method: clinical testing. Allele origin: germline.
Comment: The c.2839-13C>A intronic variant results from a C to A substitution 13 nucleotides upstream from coding exon 18 in the ATM gene. This nucleotide position is not well conserved in available vertebrate species. In silico splice site analysis for this alteration is inconclusive. RNA studies have demonstrated that this variant results in a splice defect; the clinical impact of this abnormal splicing is unknown at this time (Ambry internal data). Based on the available evidence, the clinical significance of this variant remains unclear.